The following is an entry in ClinVar:

ClinVar aggregate classification (germline): Likely benign (0 of 4 stars; one submission).

Conditions:
GLI1-related disorder. Also called: GLI1-related condition.

Allele frequency attached by ClinVar (database versions not stated): ExAC 0.00002; gnomAD 0.00008; TOPMed 0.00010; 1000 Genomes Project 30x 0.00016; 1000 Genomes Project 0.00020.
gnomAD v4.1: 22 of 1,611,174 alleles (0.0014%); highest among the groups gnomAD compares: African/African-American, 0.019%; no homozygotes.

Submission:

PreventionGenetics, part of Exact Sciences
Classification: Likely benign for GLI1-related condition. Last evaluated: 2019-02-21. Review status: no assertion criteria provided. Collection method: clinical testing. Allele origin: germline.
Comment: This variant is classified as likely benign based on ACMG/AMP sequence variant interpretation guidelines (Richards et al. 2015 PMID: 25741868, with internal and published modifications).

NM_005269.3(GLI1):c.945C>T (p.Leu315=)

Gene: GLI1 (GLI family zinc finger 1; plus strand). Cytogenetic location: 12q13.3.
Variant type: single nucleotide variant.
Coding change: c.945C>T on transcript NM_005269.3 (MANE Select); coding-DNA position 945, C replaced by T.
Protein change: p.Leu315=; no amino-acid change (leucine 315 retained).
Molecular consequence: synonymous variant.
Genome position (GRCh38, 1-based): chr12:57,467,365, C>T. VCF-style: chr12-57467365-C-T. GRCh37 (hg19) VCF-style: chr12-57861148-C-T.
Other names: c.561C>T, p.Leu187= (NM_001160045.2); c.822C>T, p.Leu274= (NM_001167609.2).
Identifiers: ClinVar variation 3058279 (VCV003058279.2), dbSNP rs545825775, ClinGen allele CA6648666.